The following is an entry in ClinVar:

NM_139285.4(GAS2L2):c.887_890del (p.Val296fs)

Gene: GAS2L2 (growth arrest specific 2 like 2; minus strand). Cytogenetic location: 17q12.
Variant type: Deletion.
Coding change: c.887_890del on transcript NM_139285.4 (MANE Select); coding-DNA positions 887 to 890, 4 bases deleted (TAAG; older notation c.887_890delTAAG).
Protein change: p.Val296fs; shifts the reading frame from valine 296.
Molecular consequence: frameshift variant.
Genome position (GRCh38, 1-based): chr17:35,747,211-35,747,214, CTTA deleted on the plus strand (TAAG on the coding strand, the reverse complement: GAS2L2 is on the minus strand); deleting any 4 consecutive bases within chr17:35,747,211-35,747,217 gives the same sequence; the c. name uses the placement nearest the transcript's 3' end. VCF-style (leftmost placement, unchanged base first): chr17-35747210-CCTTA-C. GRCh37 (hg19) VCF-style: chr17-34074229-CCTTA-C.
Other names: c.887_890delTAAG (NM_139285.3); short protein forms V296fs.
Identifiers: ClinVar variation 633450 (VCV000633450.8), dbSNP rs587633197, ClinGen allele CA8506233.

ClinVar aggregate classification (germline): Uncertain significance. Review status: criteria provided, multiple submitters, no conflicts (2 of 4 stars). 5 submissions from 5 submitters: Uncertain significance (3). 2 of the submissions do not count toward it. Last evaluated 2026-07-14.

Conditions:
GAS2L2-related disorder. Also called: GAS2L2-related condition.
Ciliary dyskinesia, primary, 41. Identifiers: MedGen C5193103, MONDO:0032757, OMIM 618449.
Primary ciliary dyskinesia. Also called: Ciliary dyskinesia. Identifiers: Orphanet 244, MedGen C0008780, MONDO:0016575, HP:0012265.

Submissions (5):

PreventionGenetics, part of Exact Sciences
Classification: Uncertain significance for GAS2L2-related condition. Last evaluated: 2026-07-14. Review status: criteria provided, single submitter. Criteria: ACMG Guidelines, 2015. Collection method: clinical testing. Allele origin: germline.
Comment: The GAS2L2 c.887_890delTAAG variant is predicted to result in a frameshift and premature protein termination (p.Val296Glyfs*13). This variant has been reported in the homozygous and compound heterozygous states in three individuals with features of primary ciliary dyskinesia (Bustamante-Marin et al. 2019. PubMed ID: 30665704; Shoemark et al. 2022. PubMed ID: 35728977). This variant is reported in 0.085% of alleles in individuals of European (Non-Finnish) descent in gnomAD. To our knowledge, the three individuals described in the Bustamante-Marin et al. and Shoemark et al. manuscripts are the only cases associating GAS2L2 with PCD. Therefore, the clinical significance of this variant is uncertain due to the absence of conclusive functional and genetic evidence for this gene-disease association.

Blueprint Genetics
Classification: Uncertain significance. Last evaluated: 2024-11-06. Review status: criteria provided, single submitter. Criteria: ACMG Guidelines, 2015. Collection method: clinical testing. Allele origin: germline.

Department of Pathology and Laboratory Medicine, Sinai Health System
Classification: Uncertain significance for Ciliary dyskinesia, primary, 41. Last evaluated: 2021-10-21. Review status: criteria provided, single submitter. Criteria: ACMG Guidelines, 2015. Collection method: research. Allele origin: germline.

OMIM
Classification: Pathogenic for CILIARY DYSKINESIA, PRIMARY, 41 (1 patient). Last evaluated: 2019-05-28. Review status: no assertion criteria provided. Collection method: literature only. Allele origin: germline. Not counted in ClinVar's aggregate classification.

University of Washington Center for Mendelian Genomics, University of Washington
Classification: Likely pathogenic for Primary ciliary dyskinesia. Review status: no assertion criteria provided. Collection method: research. Allele origin: inherited. Affected: yes. Not counted in ClinVar's aggregate classification.

Literature cited by the submitters: PubMed 30665704 (cited by OMIM and University of Washington Center for Mendelian Genomics, University of Washington).